The following is an entry in ClinVar:

NM_001384910.1(GUCA1A):c.64T>C (p.Tyr22His)

Genes: GUCA1A (guanylate cyclase activator 1A; plus strand), GUCA1ANB-GUCA1A (GUCA1ANB-GUCA1A readthrough; plus strand). Cytogenetic location: 6p21.1.
Variant type: single nucleotide variant.
Coding change: c.64T>C on transcript NM_001384910.1 (MANE Select); coding-DNA position 64, T replaced by C.
Protein change: p.Tyr22His; replaces tyrosine 22 with histidine.
Molecular consequence: missense variant.
Genome position (GRCh38, 1-based): chr6:42,173,677, T>C. VCF-style: chr6-42173677-T-C. GRCh37 (hg19) VCF-style: chr6-42141415-T-C.
Other names: c.64T>C, p.Tyr22His (NM_000409.5, NM_001319061.2, NM_001319062.2); short protein forms Y22H.
Identifiers: ClinVar variation 2872679 (VCV002872679.4), dbSNP rs1295941982, ClinGen allele CA364105378.
Genomic context (GRCh38, chr6:42,173,677, plus strand): 5'-GGCAACGTGATGGAGGGAAAGTCAGTGGAGGAGCTGAGCAGCACCGAGTGCCACCAGTGG[T>C]ACAAGAAGTTCATGACTGAGTGCCCCTCTGGCCAACTCACCCTCTATGAGTTCCGCCAGT-3'
Protein context (NP_001371839.1, residues 12-32): ELSSTECHQW[Tyr22His]KKFMTECPSG

ClinVar aggregate classification (germline): Uncertain significance. Review status: criteria provided, multiple submitters, no conflicts (2 of 4 stars). 2 submissions from 2 submitters: Uncertain significance (2). Last evaluated 2023-12-11.

Allele frequency attached by ClinVar (database versions not stated): gnomAD exomes below 0.00001.
gnomAD v4.1: 6 of 1,613,974 alleles (0.00037%); highest among the groups gnomAD compares: Non-Finnish European, 0.00051%; no homozygotes.

Submissions (2):

Blueprint Genetics
Classification: Uncertain significance. Last evaluated: 2023-12-11. Review status: criteria provided, single submitter. Criteria: ACMG Guidelines, 2015. Collection method: clinical testing. Allele origin: germline.

Labcorp Genetics (formerly Invitae), Labcorp
Classification: Uncertain significance. Last evaluated: 2023-09-27. Review status: criteria provided, single submitter. Criteria: Invitae Variant Classification Sherloc (09022015). Collection method: clinical testing. Allele origin: germline.
Comment: This sequence change replaces tyrosine, which is neutral and polar, with histidine, which is basic and polar, at codon 22 of the GUCA1A protein (p.Tyr22His). This variant is present in population databases (no rsID available, gnomAD 0.0009%). This variant has not been reported in the literature in individuals affected with GUCA1A-related conditions. An algorithm developed to predict the effect of missense changes on protein structure and function (PolyPhen-2) suggests that this variant is likely to be disruptive. In summary, the available evidence is currently insufficient to determine the role of this variant in disease. Therefore, it has been classified as a Variant of Uncertain Significance.